The following is an entry in ClinVar:

ClinVar aggregate classification (germline): Benign/Likely benign. Review status: criteria provided, multiple submitters, no conflicts (2 of 4 stars). 12 submissions from 10 submitters: Benign (9); Likely benign (3). Last evaluated 2026-01-28.

Conditions:
Retinal dystrophy. Also called: Inherited retinal dystrophy. Identifiers: Orphanet 71862, MedGen C0854723, MeSH D058499, MONDO:0019118, HP:0000556.
Retinitis pigmentosa 39 (RP39). Identifiers: Orphanet 791, MedGen C3151138, MONDO:0013436, OMIM 613809.
Usher syndrome type 2A. Also called: USHER SYNDROME, TYPE IIA; RETINAL DISEASE IN USHER SYNDROME TYPE IIA, MODIFIER OF. Identifiers: Orphanet 231178, Orphanet 886, MedGen C1848634, MONDO:0010169, OMIM 276901.
Retinitis pigmentosa (RP). Identifiers: Orphanet 791, MedGen C0035334, MeSH D012174, MONDO:0019200, OMIM 268000. Inheritance: Autosomal dominant, autosomal recessive and X linked inheritance.

Allele frequency attached by ClinVar (database versions not stated): ESP Exome Variant Server 0.00038; gnomAD exomes 0.00134 and 0.00446; gnomAD 0.00152 and 0.00196; TOPMed 0.00256; ExAC 0.00447; 1000 Genomes Project 0.00859; 1000 Genomes Project 30x 0.00859.
gnomAD v4.1: 2,299 of 1,613,840 alleles (0.14%); highest among the groups gnomAD compares: East Asian, 4.1%; 47 homozygotes.

Submissions (12):

Labcorp Genetics (formerly Invitae), Labcorp
Classification: Benign. Last evaluated: 2026-01-28. Review status: criteria provided, single submitter. Criteria: Invitae Variant Classification Sherloc (09022015). Collection method: clinical testing. Allele origin: germline.

CeGaT Center for Human Genetics Tuebingen
Classification: Benign. Last evaluated: 2025-10-01. Review status: criteria provided, single submitter. Criteria: CeGaT Center For Human Genetics Tuebingen Variant Classification Criteria Version 2. Collection method: clinical testing. Allele origin: germline. Affected: yes. Observed: 2 variant alleles.
Comment: USH2A: BP4, BS1, BS2

Genome-Nilou Lab
Classification: Likely benign for Retinitis pigmentosa 39. Last evaluated: 2023-11-04. Review status: criteria provided, single submitter. Criteria: ACMG Guidelines, 2015. Collection method: clinical testing. Allele origin: germline. Affected: no.

Genome-Nilou Lab
Classification: Likely benign for Usher syndrome type 2A. Last evaluated: 2023-11-04. Review status: criteria provided, single submitter. Criteria: ACMG Guidelines, 2015. Collection method: clinical testing. Allele origin: germline. Affected: no.

Dept Of Ophthalmology, Nagoya University
Classification: Benign for Retinal dystrophy. Last evaluated: 2023-10-01. Review status: criteria provided, single submitter. Criteria: Submitter's publication. Collection method: research. Allele origin: germline. Affected: yes.

Fulgent Genetics
Classification: Likely benign for Usher syndrome type 2A; Retinitis pigmentosa 39. Last evaluated: 2022-01-14. Review status: criteria provided, single submitter. Criteria: ACMG Guidelines, 2015. Collection method: clinical testing. Allele origin: unknown.

ARUP Laboratories, Molecular Genetics and Genomics, ARUP Laboratories
Classification: Benign. Last evaluated: 2019-10-02. Review status: criteria provided, single submitter. Criteria: ARUP Molecular Germline Variant Investigation Process. Collection method: clinical testing. Allele origin: germline.

Illumina Laboratory Services, Illumina
Classification: Benign for Retinitis pigmentosa. Last evaluated: 2017-04-27. Review status: criteria provided, single submitter. Criteria: ICSL Variant Classification Criteria 13 December 2019. Collection method: clinical testing. Allele origin: germline.
Comment: This variant was observed as part of a predisposition screen in an ostensibly healthy population. A literature search was performed for the gene, cDNA change, and amino acid change (where applicable). No publications were found based on this search. Allele frequency data from public databases was too high to be consistent with this variant causing disease. Therefore, this variant is classified as benign.

Illumina Laboratory Services, Illumina
Classification: Benign for Usher syndrome type 2A. Last evaluated: 2017-04-27. Review status: criteria provided, single submitter. Criteria: ICSL Variant Classification Criteria 13 December 2019. Collection method: clinical testing. Allele origin: germline.
Comment: the same text as in the submission from Illumina Laboratory Services, Illumina above.

Laboratory for Molecular Medicine, Mass General Brigham Personalized Medicine
Classification: Benign. Last evaluated: 2013-03-09. Review status: criteria provided, single submitter. Criteria: LMM Criteria. Collection method: clinical testing. Allele origin: germline. Observed: 10 variant alleles.
Comment: Ser1122Ala in Exon 17 of USH2A: This variant is not expected to have clinical si gnificance because it has been identified in 6.0% (24/394) of Asian chromosomes from the 1000 Genomes Project (dbSNP rs148135241).

GeneDx
Classification: Benign. Last evaluated: 2013-02-12. Review status: criteria provided, single submitter. Criteria: GeneDx Variant Classification (06012015). Collection method: clinical testing. Allele origin: germline. Affected: yes.
Comment: This variant is considered likely benign or benign based on one or more of the following criteria: it is a conservative change, it occurs at a poorly conserved position in the protein, it is predicted to be benign by multiple in silico algorithms, and/or has population frequency not consistent with disease.

Breakthrough Genomics
Classification: Benign. Review status: criteria provided, single submitter. Criteria: ACMG Guidelines, 2015. Collection method: not provided. Allele origin: germline. Inheritance: Autosomal recessive inheritance. Affected: yes.

NM_206933.4(USH2A):c.3364T>G (p.Ser1122Ala)

Genes: USH2A (usherin; minus strand), USH2A-AS1 (USH2A antisense RNA 1; plus strand). Cytogenetic location: 1q41.
Variant type: single nucleotide variant.
Coding change: c.3364T>G on transcript NM_206933.4 (MANE Select); coding-DNA position 3364, T replaced by G.
Protein change: p.Ser1122Ala; replaces serine 1122 with alanine.
Molecular consequence: missense variant.
Genome position (GRCh38, 1-based): chr1:216,200,074, A>C on the plus strand (T>G on the coding strand, the complement: USH2A is on the minus strand). VCF-style: chr1-216200074-A-C. GRCh37 (hg19) VCF-style: chr1-216373416-A-C.
Other names: p.S1122A:TCC>GCC; c.3364T>G, p.Ser1122Ala (NM_007123.6); short protein forms S1122A.
Identifiers: ClinVar variation 48500 (VCV000048500.44), dbSNP rs148135241, ClinGen allele CA143461.
Genomic context (GRCh38, chr1:216,200,074, plus strand): 5'-TGTAAGTGACAGCTACACTCCTTGTTGAACCATGCACATTGGTGGTCTCAATGTAATAGG[A>C]ATATTTGGTATATGGTAACAGGTCTGTGTCTAAGAAGTATTGAATACCTGAAATGAAAAG-3'
Protein context (NP_996816.3, residues 1112-1132): DTDLLPYTKY[Ser1122Ala]YYIETTNVHG